The following is an entry in ClinVar:

ClinVar aggregate classification (germline): Benign/Likely benign. Review status: criteria provided, multiple submitters, no conflicts (2 of 4 stars). 13 submissions from 13 submitters: Benign (10); Likely benign (2). 1 of the submissions does not count toward it. Last evaluated 2026-02-04.

Conditions:
Inborn genetic diseases. Identifiers: MedGen C0950123, MeSH D030342.
Developmental and epileptic encephalopathy, 12 (DEE12). Identifiers: MedGen C3150988, MONDO:0013389, OMIM 613722.

Allele frequency attached by ClinVar (database versions not stated): 1000 Genomes Project 0.21226; 1000 Genomes Project 30x 0.21252; TOPMed 0.23509; gnomAD 0.24634 and 0.24843; ESP Exome Variant Server 0.25188; gnomAD exomes 0.27041; ExAC 0.27177.
gnomAD v4.1: 472,653 of 1,611,358 alleles (29%); highest among the groups gnomAD compares: Non-Finnish European, 31%; 71,696 homozygotes.

Submissions (13):

Labcorp Genetics (formerly Invitae), Labcorp
Classification: Benign for Developmental and epileptic encephalopathy, 12. Last evaluated: 2026-02-04. Review status: criteria provided, single submitter. Criteria: Invitae Variant Classification Sherloc (09022015). Collection method: clinical testing. Allele origin: germline.

Blueprint Genetics
Classification: Likely benign. Last evaluated: 2024-11-28. Review status: criteria provided, single submitter. Criteria: ACMG Guidelines, 2015. Collection method: clinical testing. Allele origin: germline.

Unidad de Genómica Garrahan, Hospital de Pediatría Garrahan
Classification: Benign. Last evaluated: 2024-07-15. Review status: criteria provided, single submitter. Criteria: ACMG Guidelines, 2015. Collection method: clinical testing. Allele origin: germline. Affected: no. Observed: 37 variant alleles.
Comment: This variant is classified as Benign based on local population frequency. This variant was detected in 40% of patients studied in a panel designed for Epileptic and Developmental Encephalopathy and Progressive Myoclonus Epilepsy. Number of patients: 37. Only high quality variants are reported.

Genome-Nilou Lab
Classification: Benign for Developmental and epileptic encephalopathy, 12. Last evaluated: 2021-09-05. Review status: criteria provided, single submitter. Criteria: ACMG Guidelines, 2015. Collection method: clinical testing. Allele origin: germline. Affected: no.

GeneDx
Classification: Benign. Last evaluated: 2020-11-24. Review status: criteria provided, single submitter. Criteria: GeneDx Variant Classification Process June 2021. Collection method: clinical testing. Allele origin: germline. Affected: yes.

Mayo Clinic Laboratories, Mayo Clinic
Classification: Benign. Last evaluated: 2018-04-02. Review status: criteria provided, single submitter. Criteria: ACMG Guidelines, 2015. Collection method: clinical testing. Allele origin: germline. Observed: 247 variant alleles.

Athena Diagnostics
Classification: Benign. Last evaluated: 2017-04-20. Review status: criteria provided, single submitter. Criteria: Athena Diagnostics Criteria. Collection method: clinical testing. Allele origin: germline.

Ambry Genetics
Classification: Benign for Inborn genetic diseases. Last evaluated: 2016-01-08. Review status: criteria provided, single submitter. Criteria: Ambry Variant Classification Scheme 2023. Collection method: clinical testing. Allele origin: germline.

Genome Diagnostics Laboratory, University Medical Center Utrecht
Classification: Benign for Developmental and epileptic encephalopathy, 12. Last evaluated: 2014-10-10. Review status: criteria provided, single submitter. Criteria: ACGS Guidelines, 2013. Collection method: clinical testing. Allele origin: germline. Affected: yes. Study: VKGL Data-share Consensus.

Genetic Services Laboratory, University of Chicago
Classification: Benign for AllHighlyPenetrant. Last evaluated: 2013-04-25. Review status: criteria provided, single submitter. Criteria: ACMG Guidelines, 2007. Collection method: clinical testing. Allele origin: germline. Inheritance: Autosomal recessive inheritance.

Breakthrough Genomics
Classification: Likely benign. Review status: criteria provided, single submitter. Criteria: ACMG Guidelines, 2015. Collection method: not provided. Allele origin: germline. Inheritance: Autosomal recessive inheritance. Affected: yes.

PreventionGenetics, part of Exact Sciences
Classification: Benign. Review status: criteria provided, single submitter. Criteria: ACMG Guidelines, 2015. Collection method: clinical testing. Allele origin: germline.

Diagnostic Laboratory, Department of Genetics, University Medical Center Groningen
Classification: Benign for Developmental and epileptic encephalopathy, 12. Review status: no assertion criteria provided. Collection method: clinical testing. Allele origin: germline. Affected: yes. Study: VKGL Data-share Consensus. Not counted in ClinVar's aggregate classification.

NM_015192.4(PLCB1):c.2565G>A (p.Ala855=)

Gene: PLCB1 (phospholipase C beta 1; plus strand). Cytogenetic location: 20p12.3.
Variant type: single nucleotide variant.
Coding change: c.2565G>A on transcript NM_015192.4 (MANE Select); coding-DNA position 2565, G replaced by A.
Protein change: p.Ala855=; no amino-acid change (alanine 855 retained).
Molecular consequence: synonymous variant.
Genome position (GRCh38, 1-based): chr20:8,757,087, G>A. VCF-style: chr20-8757087-G-A. GRCh37 (hg19) VCF-style: chr20-8737734-G-A.
Other names: p.Ala855=; c.2565G>A, p.Ala855= (NM_182734.3).
Identifiers: ClinVar variation 129908 (VCV000129908.32), dbSNP rs2076413, ClinGen allele CA154273.